The following is an entry in ClinVar:

NM_001018005.2(TPM1):c.179dup (p.Tyr60Ter)

Gene: TPM1 (tropomyosin 1; plus strand). Cytogenetic location: 15q22.2.
Variant type: Duplication.
Coding change: c.179dup on transcript NM_001018005.2 (MANE Select); coding-DNA position 179, one base duplicated (A; older notation c.179dupA).
Protein change: p.Tyr60Ter; replaces tyrosine 60 with a stop codon.
Molecular consequence: nonsense. On other transcripts: frameshift variant (10), intron variant (3).
Genome position (GRCh38, 1-based): chr15:63,044,091, A duplicated. VCF-style (leftmost placement, unchanged base first): chr15-63044090-T-TA. GRCh37 (hg19) VCF-style: chr15-63336289-T-TA.
Other names: c.179dup, p.Tyr60Ter (NM_000366.6, NM_001018004.2, NM_001018006.2 and 3 more transcripts); c.305dup, p.Tyr102Ter (NM_001365778.1); c.305dup, p.Tyr102Terfs (NM_001407322.1, NM_001407323.1, NM_001407324.1); c.179dup, p.Tyr60Terfs (NM_001407325.1, NM_001407326.1, NM_001407327.1 and 4 more transcripts); c.240+260dup (NM_001018020.2, NM_001018007.2, NM_001301244.2); short protein forms Y102*, Y60*.
Identifiers: ClinVar variation 2025694 (VCV002025694.4), dbSNP rs2542432101, ClinGen allele CA2580089851.

ClinVar aggregate classification (germline): Uncertain significance (1 of 4 stars; one submission).

Conditions:
Hypertrophic cardiomyopathy. Also called: HYPERTROPHIC MYOCARDIOPATHY. Identifiers: Orphanet 217569, MedGen C0007194, MeSH D002312, MONDO:0005045, HP:0001639.

Submission:

Labcorp Genetics (formerly Invitae), Labcorp
Classification: Uncertain significance for Hypertrophic cardiomyopathy. Last evaluated: 2026-02-02. Review status: criteria provided, single submitter. Criteria: Invitae Variant Classification Sherloc (09022015). Collection method: clinical testing. Allele origin: germline.
Comment: This sequence change creates a premature translational stop signal (p.Tyr60*) in the TPM1 gene. It is expected to result in an absent or disrupted protein product. However, the current clinical and genetic evidence is not sufficient to establish whether loss-of-function variants in TPM1 cause disease. This variant is not present in population databases (gnomAD no frequency). This variant has not been reported in the literature in individuals affected with TPM1-related conditions. ClinVar contains an entry for this variant (Variation ID: 2025694). In summary, the available evidence is currently insufficient to determine the role of this variant in disease. Therefore, it has been classified as a Variant of Uncertain Significance.